The following is an entry in ClinVar:

NM_000049.4(ASPA):c.494C>T (p.Ala165Val)

Genes: ASPA (aspartoacylase; plus strand), SPATA22 (spermatogenesis associated 22; minus strand). Cytogenetic location: 17p13.2.
Variant type: single nucleotide variant.
Coding change: c.494C>T on transcript NM_000049.4 (MANE Select); coding-DNA position 494, C replaced by T.
Protein change: p.Ala165Val; replaces alanine 165 with valine.
Molecular consequence: missense variant. On other transcripts: intron variant (2).
Genome position (GRCh38, 1-based): chr17:3,483,560, C>T. VCF-style: chr17-3483560-C-T. GRCh37 (hg19) VCF-style: chr17-3386854-C-T.
Other names: c.494C>T, p.Ala165Val (NM_001128085.1); c.-73-14162G>A (NM_001321336.2, NM_001321337.2); short protein forms A165V.
Identifiers: ClinVar variation 3130413 (VCV003130413.2), dbSNP rs777440893, ClinGen allele CA8288945.

ClinVar aggregate classification (germline): Uncertain significance (1 of 4 stars; one submission).

Conditions:
Inborn genetic diseases. Identifiers: MedGen C0950123, MeSH D030342.

Allele frequency attached by ClinVar (database versions not stated): ExAC 0.00002; gnomAD exomes 0.00001; TOPMed below 0.00001; gnomAD 0.00001.
gnomAD v4.1: 15 of 1,613,878 alleles (0.00093%); highest among the groups gnomAD compares: Middle Eastern, 0.033%; no homozygotes.

Submission:

Ambry Genetics
Classification: Uncertain significance for Inborn genetic diseases. Last evaluated: 2025-07-07. Review status: criteria provided, single submitter. Criteria: Ambry Variant Classification Scheme 2023. Collection method: clinical testing. Allele origin: germline.
Comment: The p.A165V variant (also known as c.494C>T), located in coding exon 3 of the ASPA gene, results from a C to T substitution at nucleotide position 494. The alanine at codon 165 is replaced by valine, an amino acid with similar properties. This amino acid position is conserved. In addition, the in silico prediction for this alteration is inconclusive. Based on the available evidence, the clinical significance of this variant remains unclear.